The following is an entry in ClinVar:

NM_002788.4(PSMA3):c.494C>T (p.Ala165Val)

Gene: PSMA3 (proteasome 20S subunit alpha 3; plus strand). Cytogenetic location: 14q23.1.
Variant type: single nucleotide variant.
Coding change: c.494C>T on transcript NM_002788.4 (MANE Select); coding-DNA position 494, C replaced by T.
Protein change: p.Ala165Val; replaces alanine 165 with valine.
Molecular consequence: missense variant. On other transcripts: non-coding transcript variant (1).
Genome position (GRCh38, 1-based): chr14:58,263,721, C>T. VCF-style: chr14-58263721-C-T. GRCh37 (hg19) VCF-style: chr14-58730439-C-T.
Other names: c.473C>T, p.Ala158Val (NM_152132.3); short protein forms A158V, A165V.
Identifiers: ClinVar variation 2889842 (VCV002889842.3), dbSNP rs144791534, ClinGen allele CA7203809.

ClinVar aggregate classification (germline): Uncertain significance (1 of 4 stars; one submission).

Allele frequency attached by ClinVar (database versions not stated): ESP Exome Variant Server 0.00015; ExAC 0.00004; gnomAD 0.00012; TOPMed 0.00009; gnomAD exomes 0.00016.
gnomAD v4.1: 247 of 1,613,298 alleles (0.015%); highest among the groups gnomAD compares: Non-Finnish European, 0.02%; no homozygotes.

Submission:

Labcorp Genetics (formerly Invitae), Labcorp
Classification: Uncertain significance. Last evaluated: 2025-04-23. Review status: criteria provided, single submitter. Criteria: Invitae Variant Classification Sherloc (09022015). Collection method: clinical testing. Allele origin: germline.
Comment: This sequence change replaces alanine, which is neutral and non-polar, with valine, which is neutral and non-polar, at codon 165 of the PSMA3 protein (p.Ala165Val). This variant is present in population databases (rs144791534, gnomAD 0.01%). This variant has not been reported in the literature in individuals affected with PSMA3-related conditions. ClinVar contains an entry for this variant (Variation ID: 2889842). An algorithm developed to predict the effect of missense changes on protein structure and function (PolyPhen-2) suggests that this variant is likely to be disruptive. In summary, the available evidence is currently insufficient to determine the role of this variant in disease. Therefore, it has been classified as a Variant of Uncertain Significance.